The following is an entry in ClinVar:

ClinVar aggregate classification (germline): Uncertain significance (1 of 4 stars; one submission).

Submission:

Labcorp Genetics (formerly Invitae), Labcorp
Classification: Uncertain significance. Last evaluated: 2025-07-14. Review status: criteria provided, single submitter. Criteria: Invitae Variant Classification Sherloc (09022015). Collection method: clinical testing. Allele origin: germline.
Comment: This sequence change replaces histidine, which is basic and polar, with arginine, which is basic and polar, at codon 2054 of the CDH23 protein (p.His2054Arg). This variant is not present in population databases (gnomAD no frequency). This variant has not been reported in the literature in individuals affected with CDH23-related conditions. ClinVar contains an entry for this variant (Variation ID: 942938). Invitae Evidence Modeling of protein sequence and biophysical properties (such as structural, functional, and spatial information, amino acid conservation, physicochemical variation, residue mobility, and thermodynamic stability) has been performed for this missense variant. However, the output from this modeling did not meet the statistical confidence thresholds required to predict the impact of this variant on CDH23 protein function. In summary, the available evidence is currently insufficient to determine the role of this variant in disease. Therefore, it has been classified as a Variant of Uncertain Significance.

NM_022124.6(CDH23):c.6161A>G (p.His2054Arg)

Gene: CDH23 (cadherin related 23; plus strand). Cytogenetic location: 10q22.1.
Variant type: single nucleotide variant.
Coding change: c.6161A>G on transcript NM_022124.6 (MANE Select); coding-DNA position 6161, A replaced by G.
Protein change: p.His2054Arg; replaces histidine 2054 with arginine.
Molecular consequence: missense variant.
Genome position (GRCh38, 1-based): chr10:71,791,243, A>G. VCF-style: chr10-71791243-A-G. GRCh37 (hg19) VCF-style: chr10-73551000-A-G.
Other names: short protein forms H2054R.
Identifiers: ClinVar variation 942938 (VCV000942938.9), dbSNP rs1841242229, ClinGen allele CA377152768.
Genomic context (GRCh38, chr10:71,791,243, plus strand): 5'-CACCCATCCTGGAGCTGCTGCTGCTGGCTGAGGACATCGGGCTGCTCAACAGCACGGCCC[A>G]CCTGCTCATCACCATCCTGGATGACAATGACAACCGGCCCACCTTTAGCCCTGCCACCCT-3'
Protein context (NP_071407.4, residues 2044-2064): EDIGLLNSTA[His2054Arg]LLITILDDND